The following is an entry in ClinVar:

NM_000393.5(COL5A2):c.2545G>A (p.Gly849Arg)

Gene: COL5A2 (collagen type V alpha 2 chain; minus strand). Cytogenetic location: 2q32.2.
Variant type: single nucleotide variant.
Coding change: c.2545G>A on transcript NM_000393.5 (MANE Select); coding-DNA position 2545, G replaced by A.
Protein change: p.Gly849Arg; replaces glycine 849 with arginine.
Molecular consequence: missense variant.
Genome position (GRCh38, 1-based): chr2:189,053,432, C>T on the plus strand (G>A on the coding strand, the complement: COL5A2 is on the minus strand). VCF-style: chr2-189053432-C-T. GRCh37 (hg19) VCF-style: chr2-189918158-C-T.
Other names: short protein forms G849R.
Identifiers: ClinVar variation 1494127 (VCV001494127.8), dbSNP rs368239207, ClinGen allele CA62597314.

ClinVar aggregate classification (germline): Uncertain significance (1 of 4 stars; one submission).

Conditions:
Ehlers-Danlos syndrome, classic type, 1 (EDSCL1). Also called: EHLERS-DANLOS SYNDROME, GRAVIS TYPE; EHLERS-DANLOS SYNDROME, SEVERE CLASSIC TYPE; Ehlers-Danlos syndrome, type 1; Ehlers-Danlos Syndrome, Classic Type, COL5A1-Related; EDS I. Identifiers: MedGen C0268335, MONDO:0019567, OMIM 130000.

Allele frequency attached by ClinVar (database versions not stated): TOPMed below 0.00001; ESP Exome Variant Server 0.00008; gnomAD exomes below 0.00001.
gnomAD v4.1: 2 of 1,613,358 alleles (0.00012%); highest among the groups gnomAD compares: Non-Finnish European, 0.00017%; no homozygotes.

Submission:

Labcorp Genetics (formerly Invitae), Labcorp
Classification: Uncertain significance for Ehlers-Danlos syndrome, classic type, 1. Last evaluated: 2021-04-03. Review status: criteria provided, single submitter. Criteria: Invitae Variant Classification Sherloc (09022015). Collection method: clinical testing. Allele origin: germline.
Comment: In summary, the available evidence is currently insufficient to determine the role of this variant in disease. Therefore, it has been classified as a Variant of Uncertain Significance. Algorithms developed to predict the effect of sequence changes on RNA splicing suggest that this variant may create or strengthen a splice site, but this prediction has not been confirmed by published transcriptional studies. This variant is not present in population databases (ExAC no frequency). Advanced modeling of protein sequence and biophysical properties (such as structural, functional, and spatial information, amino acid conservation, physicochemical variation, residue mobility, and thermodynamic stability) performed at Invitae indicates that this missense variant is expected to disrupt COL5A2 protein function. This variant has been observed in individual(s) with clinical features of COL5A2-related conditions (Invitae). This sequence change replaces glycine with arginine at codon 849 of the COL5A2 protein (p.Gly849Arg). The glycine residue is highly conserved and there is a moderate physicochemical difference between glycine and arginine.